The following is an entry in ClinVar:

NM_013382.7(POMT2):c.846T>A (p.Arg282=)

Gene: POMT2 (protein O-mannosyltransferase 2; minus strand). Cytogenetic location: 14q24.3.
Variant type: single nucleotide variant.
Coding change: c.846T>A on transcript NM_013382.7 (MANE Select); coding-DNA position 846, T replaced by A.
Protein change: p.Arg282=; no amino-acid change (arginine 282 retained).
Molecular consequence: synonymous variant.
Genome position (GRCh38, 1-based): chr14:77,299,532, A>T on the plus strand (T>A on the coding strand, the complement: POMT2 is on the minus strand). VCF-style: chr14-77299532-A-T. GRCh37 (hg19) VCF-style: chr14-77765875-A-T.
Identifiers: ClinVar variation 508467 (VCV000508467.10), dbSNP rs750579071, ClinGen allele CA7286061.

ClinVar aggregate classification (germline): Likely benign. Review status: criteria provided, multiple submitters, no conflicts (2 of 4 stars). 2 submissions from 2 submitters: Likely benign (2). Last evaluated 2026-01-28.

Conditions:
Muscular dystrophy-dystroglycanopathy (congenital with brain and eye anomalies), type A2. Also called: MUSCULAR DYSTROPHY-DYSTROGLYCANOPATHY (CONGENITAL WITH BRAIN AND EYE ANOMALIES), TYPE A, 2; WALKER-WARBURG SYNDROME OR MUSCLE-EYE-BRAIN DISEASE, POMT2-RELATED. Identifiers: Orphanet 588, Orphanet 899, MedGen C3150411, MONDO:0013154, OMIM 613150.
Muscular dystrophy-dystroglycanopathy (congenital with impaired intellectual development), type B, 2. Also called: Muscular dystrophy-dystroglycanopathy (congenital with intellectual disability), type B2; MUSCULAR DYSTROPHY, CONGENITAL, POMT2-RELATED. Identifiers: MedGen C3150416, MONDO:0013160, OMIM 613156.
Autosomal recessive limb-girdle muscular dystrophy type 2N. Also called: Muscular dystrophy-dystroglycanopathy (limb-girdle), type C, 2; MUSCULAR DYSTROPHY-DYSTROGLYCANOPATHY, LIMB-GIRDLE, POMT2-RELATED. Identifiers: Orphanet 206559, MedGen C3150418, MONDO:0013162, OMIM 613158.

Allele frequency attached by ClinVar (database versions not stated): TOPMed 0.00002; gnomAD exomes 0.00004 and 0.00001; gnomAD 0.00001; ExAC 0.00002.
gnomAD v4.1: 11 of 1,614,192 alleles (0.00068%); highest among the groups gnomAD compares: East Asian, 0.02%; no homozygotes.

Submissions (2):

Labcorp Genetics (formerly Invitae), Labcorp
Classification: Likely benign for Muscular dystrophy-dystroglycanopathy (congenital with impaired intellectual development), type B, 2; Muscular dystrophy-dystroglycanopathy (congenital with brain and eye anomalies), type A2; Autosomal recessive limb-girdle muscular dystrophy type 2N. Last evaluated: 2026-01-28. Review status: criteria provided, single submitter. Criteria: Invitae Variant Classification Sherloc (09022015). Collection method: clinical testing. Allele origin: germline.

GeneDx
Classification: Likely benign. Last evaluated: 2017-03-29. Review status: criteria provided, single submitter. Criteria: GeneDx Variant Classification (06012015). Collection method: clinical testing. Allele origin: germline. Affected: yes.
Comment: This variant is considered likely benign or benign based on one or more of the following criteria: it is a conservative change, it occurs at a poorly conserved position in the protein, it is predicted to be benign by multiple in silico algorithms, and/or has population frequency not consistent with disease.